The following is an entry in ClinVar:

NM_014625.4(NPHS2):c.451+3A>T

Gene: NPHS2 (NPHS2 stomatin family member, podocin; minus strand). Cytogenetic location: 1q25.2.
Variant type: single nucleotide variant.
Coding change: c.451+3A>T on transcript NM_014625.4 (MANE Select); 3 bases into the intron after coding-DNA position 451, A replaced by T.
Molecular consequence: intron variant.
Genome position (GRCh38, 1-based): chr1:179,561,286, T>A on the plus strand (A>T on the coding strand, the complement: NPHS2 is on the minus strand). VCF-style: chr1-179561286-T-A. GRCh37 (hg19) VCF-style: chr1-179530421-T-A.
Other names: c.451+3A>T (NM_001297575.2).
Identifiers: ClinVar variation 2734050 (VCV002734050.4), dbSNP rs1389381980, ClinGen allele CA891819214.

ClinVar aggregate classification (germline): Pathogenic/Likely pathogenic. Review status: criteria provided, multiple submitters, no conflicts (2 of 4 stars). 2 submissions from 2 submitters: Pathogenic (1); Likely pathogenic (1). Last evaluated 2023-12-15.

Conditions:
Nephrotic syndrome, type 2 (NPHS2). Also called: NEPHROTIC SYNDROME, STEROID-RESISTANT, AUTOSOMAL RECESSIVE. Identifiers: Orphanet 656, MedGen C1868672, MONDO:0010974, OMIM 600995.

Allele frequency attached by ClinVar (database versions not stated): TOPMed below 0.00001; gnomAD 0.00001.
gnomAD v4.1: 1 of 1,611,542 alleles (0.000062%); highest among the groups gnomAD compares: Non-Finnish European, 0.000085%; no homozygotes.

Submissions (2):

Baylor Genetics
Classification: Pathogenic for Nephrotic syndrome, type 2. Last evaluated: 2023-12-15. Review status: criteria provided, single submitter. Criteria: ACMG Guidelines, 2015. Collection method: clinical testing. Allele origin: unknown.

Labcorp Genetics (formerly Invitae), Labcorp
Classification: Likely pathogenic. Last evaluated: 2023-12-01. Review status: criteria provided, single submitter. Criteria: Invitae Variant Classification Sherloc (09022015). Collection method: clinical testing. Allele origin: germline.
Comment: This sequence change falls in intron 3 of the NPHS2 gene. It does not directly change the encoded amino acid sequence of the NPHS2 protein. RNA analysis indicates that this variant induces altered splicing and may result in an absent or disrupted protein product. This variant is not present in population databases (gnomAD no frequency). This variant has been observed in individuals with steroid-resistant nephrotic syndrome (PMID: 23242530, 23515051, 24969201, 30260545). Variants that disrupt the consensus splice site are a relatively common cause of aberrant splicing (PMID: 17576681, 9536098). Studies have shown that this variant results in skipping of exon 3 and introduces a premature termination codon (PMID: 24969201). The resulting mRNA is expected to undergo nonsense-mediated decay. In summary, the currently available evidence indicates that the variant is pathogenic, but additional data are needed to prove that conclusively. Therefore, this variant has been classified as Likely Pathogenic.

Literature cited by the submitters: PubMed 23242530 (cited by Labcorp Genetics (formerly Invitae), Labcorp); PubMed 23515051 (cited by Labcorp Genetics (formerly Invitae), Labcorp); PubMed 24969201 (cited by Labcorp Genetics (formerly Invitae), Labcorp); PubMed 30260545 (cited by Labcorp Genetics (formerly Invitae), Labcorp); PubMed 17576681 (cited by Labcorp Genetics (formerly Invitae), Labcorp); PubMed 9536098 (cited by Labcorp Genetics (formerly Invitae), Labcorp).